The following is an entry in ClinVar:

NM_001197104.2(KMT2A):c.3215G>T (p.Cys1072Phe)

Gene: KMT2A (lysine methyltransferase 2A; plus strand). Cytogenetic location: 11q23.3.
Variant type: single nucleotide variant.
Coding change: c.3215G>T on transcript NM_001197104.2 (MANE Select); coding-DNA position 3215, G replaced by T.
Protein change: p.Cys1072Phe; replaces cysteine 1072 with phenylalanine.
Molecular consequence: missense variant.
Genome position (GRCh38, 1-based): chr11:118,476,863, G>T. VCF-style: chr11-118476863-G-T. GRCh37 (hg19) VCF-style: chr11-118347578-G-T.
Other names: c.3215G>T, p.Cys1072Phe (NM_005933.4); short protein forms C1072F.
Identifiers: ClinVar variation 427083 (VCV000427083.2), dbSNP rs1085307947, ClinGen allele CA382823738.
Genomic context (GRCh38, chr11:118,476,863, plus strand): 5'-AGGGTCAAGAAAGTGACTCATCAGAGACCTCTGTGCGAGGACCCCGGATTAAACATGTCT[G>T]CAGAAGAGCAGCTGTTGCCCTTGGCCGAAAACGAGCTGTGTTTCCTGATGACATGCCCAC-3'
Protein context (NP_001184033.1, residues 1062-1082): SVRGPRIKHV[Cys1072Phe]RRAAVALGRK

ClinVar aggregate classification (germline): Likely pathogenic (1 of 4 stars; one submission).

Submission:

GeneDx
Classification: Likely pathogenic. Last evaluated: 2015-06-22. Review status: criteria provided, single submitter. Criteria: GeneDx Variant Classification (06012015). Collection method: clinical testing. Allele origin: germline. Affected: yes.
Comment: The C1072F variant in the KMT2A gene has not been published as a pathogenic variant, nor has it been reported as a benign polymorphism to our knowledge. The C1072F variant was not observed in approximately 6500 individuals of European and African American ancestry in the NHLBI Exome Sequencing Project, indicating it is not a common benign variant in these populations. The C1072F variant is a non-conservative amino acid substitution, which is likely to impact secondary protein structure as these residues differ in polarity, charge, size and/or other properties. This substitution occurs at a position that is conserved across species. In silico analysis predicts this variant is probably damaging to the protein structure/function. The C1072F variant is a strong candidate for a disease-causing variant, however the possibility it may be a rare benign variant cannot be excluded.